The following is an entry in ClinVar:

NM_001854.4(COL11A1):c.1265A>G (p.Tyr422Cys)

Gene: COL11A1 (collagen type XI alpha 1 chain; minus strand). Cytogenetic location: 1p21.1.
Variant type: single nucleotide variant.
Coding change: c.1265A>G on transcript NM_001854.4 (MANE Select); coding-DNA position 1265, A replaced by G.
Protein change: p.Tyr422Cys; replaces tyrosine 422 with cysteine.
Molecular consequence: missense variant. On other transcripts: non-coding transcript variant (1).
Genome position (GRCh38, 1-based): chr1:103,021,750, T>C on the plus strand (A>G on the coding strand, the complement: COL11A1 is on the minus strand). VCF-style: chr1-103021750-T-C. GRCh37 (hg19) VCF-style: chr1-103487306-T-C.
Other names: c.1148A>G, p.Tyr383Cys (NM_001190709.2); c.1301A>G, p.Tyr434Cys (NM_080629.3); c.917A>G, p.Tyr306Cys (NM_080630.4); short protein forms Y422C, Y434C, Y306C, Y383C.
Identifiers: ClinVar variation 3690834 (VCV003690834.2).

ClinVar aggregate classification (germline): Uncertain significance (1 of 4 stars; one submission).

Submission:

Labcorp Genetics (formerly Invitae), Labcorp
Classification: Uncertain significance. Last evaluated: 2024-08-05. Review status: criteria provided, single submitter. Criteria: Invitae Variant Classification Sherloc (09022015). Collection method: clinical testing. Allele origin: germline.
Comment: This sequence change replaces tyrosine, which is neutral and polar, with cysteine, which is neutral and slightly polar, at codon 422 of the COL11A1 protein (p.Tyr422Cys). This variant is not present in population databases (gnomAD no frequency). This variant has not been reported in the literature in individuals affected with COL11A1-related conditions. Advanced modeling of protein sequence and biophysical properties (such as structural, functional, and spatial information, amino acid conservation, physicochemical variation, residue mobility, and thermodynamic stability) performed at Invitae indicates that this missense variant is not expected to disrupt COL11A1 protein function with a negative predictive value of 95%. In summary, the available evidence is currently insufficient to determine the role of this variant in disease. Therefore, it has been classified as a Variant of Uncertain Significance.